The following is an entry in ClinVar:

ClinVar aggregate classification (germline): Pathogenic. Review status: criteria provided, multiple submitters, no conflicts (2 of 4 stars). 2 submissions from 2 submitters: Pathogenic (2). Last evaluated 2026-09-14.

Conditions:
Familial hypobetalipoproteinemia 1. Also called: APOB-Related Familial Hypobetalipoproteinemia; Hypobetalipoproteinemia, normotriglyceridemic; Acanthocytosis with hypobetalipoproteinemia. Identifiers: MedGen C4551990, MONDO:0014252, OMIM 615558.
Hypercholesterolemia, autosomal dominant, type B (FHCL2). Also called: Familial Hypercholesterolemia Type B; Hyperlipoproteinemia Type IIb; APOLIPOPROTEIN B-100, FAMILIAL DEFECTIVE; APOLIPOPROTEIN B-100, FAMILIAL LIGAND-DEFECTIVE; HYPERCHOLESTEROLEMIA, FAMILIAL, DUE TO LIGAND-DEFECTIVE APOLIPOPROTEIN B; Familial hypercholesterolemia 2. Identifiers: MedGen C1704417, MONDO:0007751, OMIM 144010.

Allele frequency attached by ClinVar (database versions not stated): gnomAD exomes below 0.00001.
gnomAD v4.1: 2 of 1,614,136 alleles (0.00012%); highest among the groups gnomAD compares: Non-Finnish European, 0.00017%; no homozygotes.

Submissions (2):

GeneDx
Classification: Pathogenic. Last evaluated: 2026-09-14. Review status: criteria provided, single submitter. Criteria: GeneDx Variant Classification Process June 2021. Collection method: clinical testing. Allele origin: germline.
Comment: Nonsense variant predicted to result in protein truncation or nonsense mediated decay in a gene for which loss of function is a known mechanism of disease; Not observed at significant frequency in large population cohorts (gnomAD); Has not been previously published as pathogenic or benign to our knowledge

Labcorp Genetics (formerly Invitae), Labcorp
Classification: Pathogenic for Familial hypobetalipoproteinemia 1; Hypercholesterolemia, autosomal dominant, type B. Last evaluated: 2022-03-31. Review status: criteria provided, single submitter. Criteria: Invitae Variant Classification Sherloc (09022015). Collection method: clinical testing. Allele origin: germline.
Comment: For these reasons, this variant has been classified as Pathogenic. ClinVar contains an entry for this variant (Variation ID: 1323319). This variant has not been reported in the literature in individuals affected with APOB-related conditions. This variant is not present in population databases (gnomAD no frequency). This sequence change creates a premature translational stop signal (p.Glu1171*) in the APOB gene. It is expected to result in an absent or disrupted protein product. Loss-of-function variants in APOB are known to be pathogenic (PMID: 20032471).

Literature cited by the submitters: PubMed 20032471 (cited by Labcorp Genetics (formerly Invitae), Labcorp).

NM_000384.3(APOB):c.3511G>T (p.Glu1171Ter)

Gene: APOB (apolipoprotein B; minus strand). Cytogenetic location: 2p24.1.
Variant type: single nucleotide variant.
Coding change: c.3511G>T on transcript NM_000384.3 (MANE Select); coding-DNA position 3511, G replaced by T.
Protein change: p.Glu1171Ter; replaces glutamic acid 1171 with a stop codon.
Molecular consequence: nonsense.
Genome position (GRCh38, 1-based): chr2:21,015,258, C>A on the plus strand (G>T on the coding strand, the complement: APOB is on the minus strand). VCF-style: chr2-21015258-C-A. GRCh37 (hg19) VCF-style: chr2-21238130-C-A.
Other names: short protein forms E1171*.
Identifiers: ClinVar variation 1323319 (VCV001323319.8), dbSNP rs2103362763, ClinGen allele CA346008917.
Genomic context (GRCh38, chr2:21,015,258, plus strand): 5'-AAGTCATTTTTTTGGTATCTACATTGGTGCCTGTGTTCCATTCAAATTCAATCTTCTCTT[C>A]ATCTGAAAATACGTAGGAAATAGTTGTGAATGGTACTAGTTCAGCCTGTAACCACAGGTC-3'